The following is an entry in ClinVar:

NM_000632.4(ITGAM):c.1236A>T (p.Leu412Phe)

Gene: ITGAM (integrin subunit alpha M; plus strand). Cytogenetic location: 16p11.2.
Variant type: single nucleotide variant.
Coding change: c.1236A>T on transcript NM_000632.4 (MANE Select); coding-DNA position 1236, A replaced by T.
Protein change: p.Leu412Phe; replaces leucine 412 with phenylalanine.
Molecular consequence: missense variant.
Genome position (GRCh38, 1-based): chr16:31,277,989, A>T. VCF-style: chr16-31277989-A-T. GRCh37 (hg19) VCF-style: chr16-31289310-A-T.
Other names: c.1236A>T, p.Leu412Phe (NM_001145808.2); short protein forms L412F.
Identifiers: ClinVar variation 4803775 (VCV004803775.1).

ClinVar aggregate classification (germline): Uncertain significance (1 of 4 stars; one submission).

Submission:

Labcorp Genetics (formerly Invitae), Labcorp
Classification: Uncertain significance. Last evaluated: 2025-06-24. Review status: criteria provided, single submitter. Criteria: Invitae Variant Classification Sherloc (09022015). Collection method: clinical testing. Allele origin: germline.
Comment: This sequence change replaces leucine, which is neutral and non-polar, with phenylalanine, which is neutral and non-polar, at codon 412 of the ITGAM protein (p.Leu412Phe). This variant is not present in population databases (gnomAD no frequency). This variant has not been reported in the literature in individuals affected with ITGAM-related conditions. An algorithm developed to predict the effect of missense changes on protein structure and function outputs the following: PolyPhen-2: "Benign". The phenylalanine amino acid residue is found in multiple mammalian species, which suggests that this missense change does not adversely affect protein function. In summary, the available evidence is currently insufficient to determine the role of this variant in disease. Therefore, it has been classified as a Variant of Uncertain Significance.